The following is an entry in ClinVar:

ClinVar aggregate classification (germline): Uncertain significance. Review status: criteria provided, multiple submitters, no conflicts (2 of 4 stars). 2 submissions from 2 submitters: Uncertain significance (2). Last evaluated 2026-06-02.

Conditions:
SEMA3G-related disorder. Also called: SEMA3G-related condition.

gnomAD v4.1: 96 of 1,613,410 alleles (0.006%); highest among the groups gnomAD compares: Admixed American, 0.015%; no homozygotes.

Submissions (2):

PreventionGenetics, part of Exact Sciences
Classification: Uncertain significance for SEMA3G-related condition. Last evaluated: 2026-06-02. Review status: criteria provided, single submitter. Criteria: ACMG Guidelines, 2015. Collection method: clinical testing. Allele origin: germline.
Comment: The SEMA3G c.793C>T variant is predicted to result in the amino acid substitution p.Arg265Cys. To our knowledge, this variant has not been reported in the literature. This variant is reported in 0.014% of alleles in individuals of Latino descent in gnomAD. At this time, the clinical significance of this variant is uncertain due to the absence of conclusive functional and genetic evidence.

Ambry Genetics
Classification: Uncertain significance. Last evaluated: 2025-07-31. Review status: criteria provided, single submitter. Criteria: Ambry Variant Classification Scheme 2023. Collection method: clinical testing. Allele origin: germline.

NM_020163.3(SEMA3G):c.793C>T (p.Arg265Cys)

Gene: SEMA3G (semaphorin 3G; minus strand). Cytogenetic location: 3p21.1.
Variant type: single nucleotide variant.
Coding change: c.793C>T on transcript NM_020163.3 (MANE Select); coding-DNA position 793, C replaced by T.
Protein change: p.Arg265Cys; replaces arginine 265 with cysteine.
Molecular consequence: missense variant.
Genome position (GRCh38, 1-based): chr3:52,441,284, G>A on the plus strand (C>T on the coding strand, the complement: SEMA3G is on the minus strand). VCF-style: chr3-52441284-G-A. GRCh37 (hg19) VCF-style: chr3-52475300-G-A.
Other names: c.793C>T (NM_020163.1); short protein forms R265C.
Identifiers: ClinVar variation 3350916 (VCV003350916.3).
Genomic context (GRCh38, chr3:52,441,284, plus strand): 5'-AGCAGGGACTTGAACCTCACCACCCCTTCCCAGCTCTTACCACGCAGACGCGGCCCACGC[G>A]GCTGACAGTGACATGGTTCGAGCCACCATCGGGCGAGGGGACCGTCTCCGAGAAGAAGAA-3'
Protein context (NP_064548.1, residues 255-275): DGGSNHVTVS[Arg265Cys]VGRVCVNDAG